The following is an entry in ClinVar:

NM_001384732.1(CPLANE1):c.1964A>C (p.Gln655Pro)

Gene: CPLANE1 (ciliogenesis and planar polarity effector complex subunit 1; minus strand). Cytogenetic location: 5p13.2.
Variant type: single nucleotide variant.
Coding change: c.1964A>C on transcript NM_001384732.1 (MANE Select); coding-DNA position 1964, A replaced by C.
Protein change: p.Gln655Pro; replaces glutamine 655 with proline.
Molecular consequence: missense variant.
Genome position (GRCh38, 1-based): chr5:37,226,631, T>G on the plus strand (A>C on the coding strand, the complement: CPLANE1 is on the minus strand). VCF-style: chr5-37226631-T-G. GRCh37 (hg19) VCF-style: chr5-37226733-T-G.
Other names: c.1964A>C, p.Gln655Pro (NM_023073.4); short protein forms Q655P.
Identifiers: ClinVar variation 1311108 (VCV001311108.4), dbSNP rs923514393, ClinGen allele CA117057528.

ClinVar aggregate classification (germline): Uncertain significance. Review status: criteria provided, multiple submitters, no conflicts (2 of 4 stars). 3 submissions from 3 submitters: Uncertain significance (3). Last evaluated 2022-02-09.

Conditions:
Joubert syndrome 17 (JBTS17). Identifiers: Orphanet 475, MedGen C3553264, MONDO:0013824, OMIM 614615.
Orofaciodigital syndrome type 6 (OFD6). Also called: Oral-facial-digital syndrome type 6; Central polydactyly cleft lip/palate or lingual lump and psychomotor retardation; Y-shaped central metacarpal and cerebellar defect; Joubert syndrome with orofacialdigital anomalies; OROFACIODIGITAL SYNDROME VI; OFDS VI. Identifiers: Orphanet 2754, MedGen C2745997, MONDO:0010176, OMIM 277170.

Allele frequency attached by ClinVar (database versions not stated): gnomAD exomes 0.00001 and 0.00004; gnomAD 0.00003; TOPMed 0.00003.
gnomAD v4.1: 71 of 1,551,386 alleles (0.0046%); highest among the groups gnomAD compares: Non-Finnish European, 0.0053%; no homozygotes.

Submissions (3):

Labcorp Genetics (formerly Invitae), Labcorp
Classification: Uncertain significance. Last evaluated: 2022-02-09. Review status: criteria provided, single submitter. Criteria: Invitae Variant Classification Sherloc (09022015). Collection method: clinical testing. Allele origin: germline.
Comment: This sequence change replaces glutamine, which is neutral and polar, with proline, which is neutral and non-polar, at codon 655 of the CPLANE1 protein (p.Gln655Pro). This variant is present in population databases (no rsID available, gnomAD 0.004%). This variant has not been reported in the literature in individuals affected with CPLANE1-related conditions. ClinVar contains an entry for this variant (Variation ID: 1311108). Algorithms developed to predict the effect of missense changes on protein structure and function output the following: SIFT: "Deleterious"; PolyPhen-2: "Benign"; Align-GVGD: "Class C0". The proline amino acid residue is found in multiple mammalian species, which suggests that this missense change does not adversely affect protein function. In summary, the available evidence is currently insufficient to determine the role of this variant in disease. Therefore, it has been classified as a Variant of Uncertain Significance.

Fulgent Genetics
Classification: Uncertain significance for Orofaciodigital syndrome type 6; Joubert syndrome 17. Last evaluated: 2021-09-03. Review status: criteria provided, single submitter. Criteria: ACMG Guidelines, 2015. Collection method: clinical testing. Allele origin: unknown.

GeneDx
Classification: Uncertain significance. Last evaluated: 2020-01-03. Review status: criteria provided, single submitter. Criteria: GeneDx Variant Classification Process June 2021. Collection method: clinical testing. Allele origin: germline. Affected: yes.
Comment: Not observed at a significant frequency in large population cohorts (Lek et al., 2016); In silico analysis, which includes protein predictors and evolutionary conservation, supports a deleterious effect; Has not been previously published as pathogenic or benign to our knowledge